The following is an entry in ClinVar:

ClinVar aggregate classification (germline): Uncertain significance (1 of 4 stars; one submission).

Submission:

Women's Health and Genetics/Laboratory Corporation of America, LabCorp
Classification: Uncertain significance. Last evaluated: 2024-07-30. Review status: criteria provided, single submitter. Criteria: LabCorp Variant Classification Summary - May 2015. Collection method: clinical testing. Allele origin: germline.
Comment: Variant summary: PCDH19 c.1250A>G (p.Asp417Gly) results in a non-conservative amino acid change located in the Cadherin-like domain (IPR002126) of the encoded protein sequence. Four of five in-silico tools predict a damaging effect of the variant on protein function. The variant was absent in 181833 control chromosomes. The available data on variant occurrences in the general population are insufficient to allow any conclusion about variant significance. To our knowledge, no occurrence of c.1250A>G in individuals affected with Developmental And Epileptic Encephalopathy, 9 and no experimental evidence demonstrating its impact on protein function have been reported. No submitters have cited clinical-significance assessments for this variant to ClinVar. Based on the evidence outlined above, the variant was classified as uncertain significance.

NM_001184880.2(PCDH19):c.1250A>G (p.Asp417Gly)

Gene: PCDH19 (protocadherin 19; minus strand). Cytogenetic location: Xq22.1.
Variant type: single nucleotide variant.
Coding change: c.1250A>G on transcript NM_001184880.2 (MANE Select); coding-DNA position 1250, A replaced by G.
Protein change: p.Asp417Gly; replaces aspartic acid 417 with glycine.
Molecular consequence: missense variant.
Genome position (GRCh38, 1-based): chrX:100,407,348, T>C on the plus strand (A>G on the coding strand, the complement: PCDH19 is on the minus strand). VCF-style: chrX-100407348-T-C. GRCh37 (hg19) VCF-style: chrX-99662346-T-C.
Other names: c.1250A>G, p.Asp417Gly (NM_001105243.2, NM_020766.3); short protein forms D417G.
Identifiers: ClinVar variation 3339248 (VCV003339248.1).